The following is an entry in ClinVar:

NM_000179.3(MSH6):c.97C>A (p.Arg33Ser)

Gene: MSH6 (mutS homolog 6; plus strand). Cytogenetic location: 2p16.3.
Variant type: single nucleotide variant.
Coding change: c.97C>A on transcript NM_000179.3 (MANE Select); coding-DNA position 97, C replaced by A.
Protein change: p.Arg33Ser; replaces arginine 33 with serine.
Molecular consequence: missense variant. On other transcripts: 5 prime UTR variant (1).
Genome position (GRCh38, 1-based): chr2:47,783,330, C>A. VCF-style: chr2-47783330-C-A. GRCh37 (hg19) VCF-style: chr2-48010469-C-A.
Other names: c.97C>A, p.Arg33Ser (NM_001281492.2); c.-640C>A (NM_001281493.2); short protein forms R33S.
Identifiers: ClinVar variation 491997 (VCV000491997.16), dbSNP rs730881811, ClinGen allele CA346734828.

ClinVar aggregate classification (germline): Uncertain significance. Review status: criteria provided, multiple submitters, no conflicts (2 of 4 stars). 5 submissions from 5 submitters: Uncertain significance (5). Last evaluated 2025-06-30.

Conditions:
Hereditary nonpolyposis colorectal neoplasms. Identifiers: MedGen C0009405, MeSH D003123.
Lynch syndrome. Identifiers: Orphanet 144, MedGen C4552100, MONDO:0005835. Disease mechanism: loss of function.
Lynch syndrome 5 (LYNCH5). Also called: Colorectal cancer, hereditary nonpolyposis, type 5; Hereditary non-polyposis colorectal cancer, type 5. Identifiers: Orphanet 144, MedGen C1833477, MONDO:0013710, OMIM 614350. Disease mechanism: loss of function.
Hereditary cancer-predisposing syndrome. Also called: Hereditary neoplastic syndrome; Tumor predisposition; Hereditary Cancer Syndrome; Neoplastic Syndromes, Hereditary. Identifiers: Orphanet 140162, MedGen C0027672, MeSH D009386, MONDO:0015356.

gnomAD v4.1: 1 of 1,609,950 alleles (0.000062%); highest among the groups gnomAD compares: Non-Finnish European, 0.000085%; no homozygotes.

Submissions (5):

Labcorp Genetics (formerly Invitae), Labcorp
Classification: Uncertain significance for Hereditary nonpolyposis colorectal neoplasms. Last evaluated: 2025-06-30. Review status: criteria provided, single submitter. Criteria: Invitae Variant Classification Sherloc (09022015). Collection method: clinical testing. Allele origin: germline.
Comment: This sequence change replaces arginine, which is basic and polar, with serine, which is neutral and polar, at codon 33 of the MSH6 protein (p.Arg33Ser). This variant is not present in population databases (gnomAD no frequency). This variant has not been reported in the literature in individuals affected with MSH6-related conditions. ClinVar contains an entry for this variant (Variation ID: 491997). Invitae Evidence Modeling of protein sequence and biophysical properties (such as structural, functional, and spatial information, amino acid conservation, physicochemical variation, residue mobility, and thermodynamic stability) indicates that this missense variant is not expected to disrupt MSH6 protein function with a negative predictive value of 95%. In summary, the available evidence is currently insufficient to determine the role of this variant in disease. Therefore, it has been classified as a Variant of Uncertain Significance.

Molecular Pathology, Peter Maccallum Cancer Centre
Classification: Uncertain significance for Lynch syndrome 5. Last evaluated: 2025-03-12. Review status: criteria provided, single submitter. Criteria: ACMG Guidelines, 2015. Collection method: clinical testing. Allele origin: germline. Inheritance: Autosomal dominant inheritance.

Ambry Genetics
Classification: Uncertain significance for Hereditary cancer-predisposing syndrome. Last evaluated: 2025-01-13. Review status: criteria provided, single submitter. Criteria: Ambry Variant Classification Scheme 2023. Collection method: clinical testing. Allele origin: germline.
Comment: The p.R33S variant (also known as c.97C>A), located in coding exon 1 of the MSH6 gene, results from a C to A substitution at nucleotide position 97. The arginine at codon 33 is replaced by serine, an amino acid with dissimilar properties. This amino acid position is poorly conserved in available vertebrate species. In addition, this alteration is predicted to be tolerated by in silico analysis. Since supporting evidence is limited at this time, the clinical significance of this alteration remains unclear.

Color Diagnostics, LLC DBA Color Health
Classification: Uncertain significance for Hereditary cancer-predisposing syndrome. Last evaluated: 2024-03-06. Review status: criteria provided, single submitter. Criteria: ACMG Guidelines, 2015. Collection method: clinical testing. Allele origin: germline.
Comment: This missense variant replaces arginine with serine at codon 33 of the MSH6 protein. Computational prediction suggests that this variant may not impact protein structure and function (internally defined REVEL score threshold <= 0.5, PMID: 27666373). To our knowledge, functional studies have not been reported for this variant. This variant has not been reported in individuals affected with hereditary cancer in the literature. This variant has not been identified in the general population by the Genome Aggregation Database (gnomAD). The available evidence is insufficient to determine the role of this variant in disease conclusively. Therefore, this variant is classified as a Variant of Uncertain Significance.

All of Us Research Program, National Institutes of Health
Classification: Uncertain significance for Lynch syndrome. Last evaluated: 2024-01-11. Review status: criteria provided, single submitter. Criteria: ACMG Guidelines, 2015. Collection method: clinical testing. Allele origin: germline. Inheritance: Autosomal dominant inheritance. Observed: 1 variant allele, 1 heterozygote.
Comment: This missense variant replaces arginine with serine at codon 33 of the MSH6 protein. Computational prediction suggests that this variant may not impact protein structure and function (internally defined REVEL score threshold <= 0.5, PMID: 27666373). To our knowledge, functional studies have not been reported for this variant. This variant has not been reported in individuals affected with hereditary cancer in the literature. This variant has not been identified in the general population by the Genome Aggregation Database (gnomAD). The available evidence is insufficient to determine the role of this variant in disease conclusively. Therefore, this variant is classified as a Variant of Uncertain Significance.

This study involves interpretation of variants in research participants for the purpose of population health screening. Participant phenotype was not available at the time of variant classification. Additional details can be found in publication PMID: 35346344, PMCID: PMC8962531